The following is an entry in ClinVar:

ClinVar aggregate classification (germline): Uncertain significance (1 of 4 stars; one submission).

Submission:

Labcorp Genetics (formerly Invitae), Labcorp
Classification: Uncertain significance. Last evaluated: 2025-11-23. Review status: criteria provided, single submitter. Criteria: Invitae Variant Classification Sherloc (09022015). Collection method: clinical testing. Allele origin: germline.
Comment: This sequence change replaces lysine, which is basic and polar, with threonine, which is neutral and polar, at codon 2170 of the FLNB protein (p.Lys2170Thr). This variant is not present in population databases (gnomAD no frequency). This variant has not been reported in the literature in individuals affected with FLNB-related conditions. Invitae Evidence Modeling of protein sequence and biophysical properties (such as structural, functional, and spatial information, amino acid conservation, physicochemical variation, residue mobility, and thermodynamic stability) indicates that this missense variant is not expected to disrupt FLNB protein function with a negative predictive value of 80%. In summary, the available evidence is currently insufficient to determine the role of this variant in disease. Therefore, it has been classified as a Variant of Uncertain Significance.

NM_001457.4(FLNB):c.6509A>C (p.Lys2170Thr)

Gene: FLNB (filamin B; plus strand). Cytogenetic location: 3p14.3.
Variant type: single nucleotide variant.
Coding change: c.6509A>C on transcript NM_001457.4 (MANE Select); coding-DNA position 6509, A replaced by C.
Protein change: p.Lys2170Thr; replaces lysine 2170 with threonine.
Molecular consequence: missense variant.
Genome position (GRCh38, 1-based): chr3:58,153,516, A>C. VCF-style: chr3-58153516-A-C. GRCh37 (hg19) VCF-style: chr3-58139243-A-C.
Other names: c.6602A>C, p.Lys2201Thr (NM_001164317.2); c.6476A>C, p.Lys2159Thr (NM_001164318.2); c.6437A>C, p.Lys2146Thr (NM_001164319.2); short protein forms K2146T, K2159T, K2170T, K2201T.
Identifiers: ClinVar variation 4801727 (VCV004801727.1).